The following is an entry in ClinVar:

NM_002900.3(RBP3):c.1534C>T (p.Arg512Cys)

Gene: RBP3 (retinol binding protein 3; plus strand). Cytogenetic location: 10q11.22.
Variant type: single nucleotide variant.
Coding change: c.1534C>T on transcript NM_002900.3 (MANE Select); coding-DNA position 1534, C replaced by T.
Protein change: p.Arg512Cys; replaces arginine 512 with cysteine.
Molecular consequence: missense variant.
Genome position (GRCh38, 1-based): chr10:47,350,018, C>T. VCF-style: chr10-47350018-C-T. GRCh37 (hg19) VCF-style: chr10-48389344-G-A.
Other names: short protein forms R512C.
Identifiers: ClinVar variation 497904 (VCV000497904.13), dbSNP rs782041794, ClinGen allele CA376670195.
Genomic context (GRCh38, chr10:47,350,018, plus strand): 5'-CTCCTGTCCTACTTCCAGGGCCCTGAGGCCGGCCCCGTGCACCTCTTCACCACCTATGAT[C>T]GCCGCACCAACATCACGCAGGAGCACTTCAGCCACATGGAGCTCCCGGGCCCACGCTACA-3'
Protein context (NP_002891.1, residues 502-522): GPVHLFTTYD[Arg512Cys]RTNITQEHFS

ClinVar aggregate classification (germline): Uncertain significance. Review status: criteria provided, multiple submitters, no conflicts (2 of 4 stars). 3 submissions from 3 submitters: Uncertain significance (3). Last evaluated 2025-04-13.

Conditions:
Inborn genetic diseases. Identifiers: MedGen C0950123, MeSH D030342.

Allele frequency attached by ClinVar (database versions not stated): gnomAD 0.00001; TOPMed 0.00001.
gnomAD v4.1: 11 of 1,612,904 alleles (0.00068%); highest among the groups gnomAD compares: East Asian, 0.0089%; no homozygotes.

Submissions (3):

Ambry Genetics
Classification: Uncertain significance for Inborn genetic diseases. Last evaluated: 2025-04-13. Review status: criteria provided, single submitter. Criteria: Ambry Variant Classification Scheme 2023. Collection method: clinical testing. Allele origin: germline.

Labcorp Genetics (formerly Invitae), Labcorp
Classification: Uncertain significance. Last evaluated: 2022-02-24. Review status: criteria provided, single submitter. Criteria: Invitae Variant Classification Sherloc (09022015). Collection method: clinical testing. Allele origin: germline.
Comment: In summary, the available evidence is currently insufficient to determine the role of this variant in disease. Therefore, it has been classified as a Variant of Uncertain Significance. Algorithms developed to predict the effect of missense changes on protein structure and function are either unavailable or do not agree on the potential impact of this missense change (SIFT: "Deleterious"; PolyPhen-2: "Possibly Damaging"; Align-GVGD: "Class C0"). ClinVar contains an entry for this variant (Variation ID: 497904). This variant has not been reported in the literature in individuals affected with RBP3-related conditions. This variant is present in population databases (no rsID available, gnomAD 0.01%). This sequence change replaces arginine, which is basic and polar, with cysteine, which is neutral and slightly polar, at codon 512 of the RBP3 protein (p.Arg512Cys).

Eurofins Ntd Llc (ga)
Classification: Uncertain significance. Last evaluated: 2016-11-15. Review status: criteria provided, single submitter. Criteria: EGL Classification Definitions 2015. Collection method: clinical testing. Allele origin: germline. Observed: 1 variant allele, 1 heterozygote.